The following is an entry in ClinVar:

NM_001244710.2(GFPT1):c.1010-10A>G

Gene: GFPT1 (glutamine--fructose-6-phosphate transaminase 1; minus strand). Cytogenetic location: 2p13.3.
Variant type: single nucleotide variant.
Coding change: c.1010-10A>G on transcript NM_001244710.2 (MANE Select); 10 bases into the intron before coding-DNA position 1010, A replaced by G.
Molecular consequence: intron variant.
Genome position (GRCh38, 1-based): chr2:69,346,009, T>C on the plus strand (A>G on the coding strand, the complement: GFPT1 is on the minus strand). VCF-style: chr2-69346009-T-C. GRCh37 (hg19) VCF-style: chr2-69573141-T-C.
Other names: c.1010-10A>G (NM_001244710.1); c.956-10A>G (NM_002056.4).
Identifiers: ClinVar variation 473138 (VCV000473138.15), dbSNP rs753072061, ClinGen allele CA1693722.
Genomic context (GRCh38, chr2:69,346,009, plus strand): 5'-CAGACTCTGGCTGCTCAAATATTTCCTTCTGCATAAATGAACTGAAGTTGCCTATAGTAA[T>C]AGAAATCACATAATTAAAACAAAAACAAATCAAATAAAAGAATTTGTACACAACTAAAAG-3'

ClinVar aggregate classification (germline): Conflicting classifications of pathogenicity. Review status: criteria provided, conflicting classifications (1 of 4 stars). 3 submissions from 3 submitters: Uncertain significance (1); Likely benign (1). 1 of the submissions does not count toward it. Last evaluated 2026-02-01.

Conditions:
GFPT1-related disorder. Also called: GFPT1-related condition.
Congenital myasthenic syndrome 12 (CMS12). Also called: MYASTHENIC SYNDROME, CONGENITAL, WITH TUBULAR AGGREGATES 1; Myasthenia, congenital, 12, with tubular aggregates. Identifiers: Orphanet 353327, Orphanet 590, MedGen C3552335, MONDO:0012518, OMIM 610542.

Allele frequency attached by ClinVar (database versions not stated): gnomAD 0.00001 and 0.00003; TOPMed 0.00002; ExAC 0.00008.
gnomAD v4.1: 82 of 1,422,614 alleles (0.0058%); highest among the groups gnomAD compares: Middle Eastern, 0.035%; no homozygotes.

Submissions (3):

Labcorp Genetics (formerly Invitae), Labcorp
Classification: Likely benign for Congenital myasthenic syndrome 12. Last evaluated: 2026-02-01. Review status: criteria provided, single submitter. Criteria: Invitae Variant Classification Sherloc (09022015). Collection method: clinical testing. Allele origin: germline.

Illumina Laboratory Services, Illumina
Classification: Uncertain significance for Congenital myasthenic syndrome 12. Last evaluated: 2018-01-12. Review status: criteria provided, single submitter. Criteria: ICSL Variant Classification Criteria 13 December 2019. Collection method: clinical testing. Allele origin: germline.

PreventionGenetics, part of Exact Sciences
Classification: Likely benign for GFPT1-related condition. Last evaluated: 2021-01-22. Review status: no assertion criteria provided. Collection method: clinical testing. Allele origin: germline. Not counted in ClinVar's aggregate classification.
Comment: This variant is classified as likely benign based on ACMG/AMP sequence variant interpretation guidelines (Richards et al. 2015 PMID: 25741868, with internal and published modifications).